The following is an entry in ClinVar:

NM_015272.5(RPGRIP1L):c.2036C>A (p.Thr679Asn)

Gene: RPGRIP1L (RPGRIP1 like; minus strand). Cytogenetic location: 16q12.2.
Variant type: single nucleotide variant.
Coding change: c.2036C>A on transcript NM_015272.5 (MANE Select); coding-DNA position 2036, C replaced by A.
Protein change: p.Thr679Asn; replaces threonine 679 with asparagine.
Molecular consequence: missense variant.
Genome position (GRCh38, 1-based): chr16:53,652,651, G>T on the plus strand (C>A on the coding strand, the complement: RPGRIP1L is on the minus strand). VCF-style: chr16-53652651-G-T. GRCh37 (hg19) VCF-style: chr16-53686563-G-T.
Other names: c.2036C>A, p.Thr679Asn (NM_001127897.4, NM_001308334.3, NM_001330538.2); short protein forms T679N.
Identifiers: ClinVar variation 2631986 (VCV002631986.1), dbSNP rs2544205043, ClinGen allele CA395916789.

ClinVar aggregate classification (germline): Uncertain significance (1 of 4 stars; one submission).

Conditions:
RPGRIP1L-related disorder. Also called: RPGRIP1L-related condition; RPGRIP1L-related disorders. Identifiers: MedGen CN239416.

Submission:

PreventionGenetics, part of Exact Sciences
Classification: Uncertain significance for RPGRIP1L-related condition. Last evaluated: 2022-12-09. Review status: criteria provided, single submitter. Criteria: ACMG Guidelines, 2015. Collection method: clinical testing. Allele origin: germline.
Comment: The RPGRIP1L c.2036C>A variant is predicted to result in the amino acid substitution p.Thr679Asn. To our knowledge, this variant has not been reported in the literature or in a large population database, indicating this variant is rare. At this time, the clinical significance of this variant is uncertain due to the absence of conclusive functional and genetic evidence.